The following is an entry in ClinVar:

NM_000465.4(BARD1):c.*5T>C

Gene: BARD1 (BRCA1 associated RING domain 1; minus strand). Cytogenetic location: 2q35.
Variant type: single nucleotide variant.
Coding change: c.*5T>C on transcript NM_000465.4 (MANE Select); 5 bases downstream of the stop codon, T replaced by C.
Molecular consequence: 3 prime UTR variant. On other transcripts: non-coding transcript variant (3).
Genome position (GRCh38, 1-based): chr2:214,728,671, A>G on the plus strand (T>C on the coding strand, the complement: BARD1 is on the minus strand). VCF-style: chr2-214728671-A-G. GRCh37 (hg19) VCF-style: chr2-215593395-A-G.
Other names: c.*5T>C (NM_001282543.2, NM_001282545.2, NM_001282548.2 and 1 more transcripts).
Identifiers: ClinVar variation 4758307 (VCV004758307.1).

ClinVar aggregate classification (germline): Uncertain significance (1 of 4 stars; one submission).

Conditions:
Hereditary cancer-predisposing syndrome. Also called: Tumor predisposition; Hereditary Cancer Syndrome; Neoplastic Syndromes, Hereditary; Hereditary neoplastic syndrome. Identifiers: Orphanet 140162, MedGen C0027672, MeSH D009386, MONDO:0015356.

Submission:

Color Diagnostics, LLC DBA Color Health
Classification: Uncertain significance for Hereditary cancer-predisposing syndrome. Last evaluated: 2025-06-09. Review status: criteria provided, single submitter. Criteria: ACMG Guidelines, 2015. Collection method: clinical testing. Allele origin: germline.
Comment: This variant is located in the 3' untranslated region of the BARD1 gene. To our knowledge, functional studies have not been reported for this variant. This variant has not been reported in individuals affected with BARD1-related disorders in the literature. This variant has not been identified in the general population by the Genome Aggregation Database (gnomAD). The available evidence is insufficient to determine the role of this variant in disease conclusively. Therefore, this variant is classified as a Variant of Uncertain Significance.